The following is an entry in ClinVar:

ClinVar aggregate classification (germline): Uncertain significance (1 of 4 stars; one submission).

Submission:

Women's Health and Genetics/Laboratory Corporation of America, LabCorp
Classification: Uncertain significance. Last evaluated: 2024-08-12. Review status: criteria provided, single submitter. Criteria: LabCorp Variant Classification Summary - May 2015. Collection method: clinical testing. Allele origin: germline.
Comment: Variant summary: GBE1 c.271T>A (p.Trp91Arg) results in a non-conservative amino acid change located in the Glycoside hydrolase, family 13, N-terminal domain (IPR004193), and participates in the formation of the ligand-binding region (Froese_2015, Li_2022) of the encoded protein sequence. Five of five in-silico tools predict a damaging effect of the variant on protein function. The frequency data for this variant in gnomAD is considered unreliable, as metrics indicate poor data quality at this position. c.271T>A has been reported in the literature in two siblings affected with Glycogen Storage Disease, Type IV (Li_2022), who carried a likely pathogenic variant in trans. These data indicate that the variant may be associated with disease. To our knowledge, no experimental evidence demonstrating an impact on protein function has been reported. The following publications have been ascertained in the context of this evaluation (PMID: 36425069, 26199317). No submitters have cited clinical-significance assessments for this variant to ClinVar. Based on the evidence outlined above, the variant was classified as VUS-possibly pathogenic.

Literature cited by the submitters: PubMed 26199317; PubMed 36425069.

NM_000158.4(GBE1):c.271T>A (p.Trp91Arg)

Gene: GBE1 (1,4-alpha-glucan branching enzyme 1; minus strand). Cytogenetic location: 3p12.2.
Variant type: single nucleotide variant.
Coding change: c.271T>A on transcript NM_000158.4 (MANE Select); coding-DNA position 271, T replaced by A.
Protein change: p.Trp91Arg; replaces tryptophan 91 with arginine.
Molecular consequence: missense variant.
Genome position (GRCh38, 1-based): chr3:81,705,486, A>T on the plus strand (T>A on the coding strand, the complement: GBE1 is on the minus strand). VCF-style: chr3-81705486-A-T. GRCh37 (hg19) VCF-style: chr3-81754637-A-T.
Other names: short protein forms W91R.
Identifiers: ClinVar variation 3366323 (VCV003366323.1).